The following is an entry in ClinVar:

NC_000005.10:g.(?_112766316)_(112844136_?)del

Gene: APC (APC regulator of Wnt signaling pathway; plus strand). Cytogenetic location: 5q22.2.
Variant type: Deletion.
Identifiers: ClinVar variation 646968 (VCV000646968.2).

ClinVar aggregate classification (germline): Pathogenic (1 of 4 stars; one submission).

Conditions:
Familial adenomatous polyposis 1 (FAP1). Also called: FAMILIAL ADENOMATOUS POLYPOSIS 1, ATTENUATED; POLYPOSIS, ADENOMATOUS INTESTINAL. Identifiers: MedGen C2713442, MONDO:0021056, OMIM 175100. Disease mechanism: loss of function.

Submission:

Labcorp Genetics (formerly Invitae), Labcorp
Classification: Pathogenic for Familial adenomatous polyposis 1. Last evaluated: 2022-04-04. Review status: criteria provided, single submitter. Criteria: Invitae Variant Classification Sherloc (09022015). Collection method: clinical testing. Allele origin: germline.
Comment: This variant is a gross deletion of the genomic region encompassing exon(s) 3-16 of the APC gene, which includes the termination codon. This deletion extends beyond the assayed region for this gene and therefore may encompass additional genes. While this deletion is not anticipated to lead to nonsense mediated decay, it is expected to alter mRNA translation or result in a truncated protein product. A similar copy number variant has been observed in individual(s) with familial adenomatous polyposis (PMID: 31113927). This variant is expected to disrupt the EB1 and HDLG binding sites, which mediate interactions with the cytoskeleton (PMID: 15311282, 17293347). While functional studies have not been performed to directly test the effect on APC protein function, this suggests that disruption of the C-terminal portion of the protein is functionally important. A different truncation (p.Tyr2645Lysfs*14) that lies downstream of this variant has been determined to be pathogenic (PMID: 9824584, 1316610, 27081525, 8381579, 22135120, Invitae). This suggests that deletion of this region of the APC protein is causative of disease. For these reasons, this variant has been classified as Pathogenic.

Literature cited by the submitters: PubMed 31113927; PubMed 15311282; PubMed 17293347; PubMed 9824584; PubMed 1316610; PubMed 27081525; PubMed 8381579; PubMed 22135120.